The following is an entry in ClinVar:

ClinVar aggregate classification (germline): Uncertain significance (1 of 4 stars; one submission).

Conditions:
Hereditary cancer-predisposing syndrome. Also called: Hereditary Cancer Syndrome; Neoplastic Syndromes, Hereditary; Tumor predisposition; Hereditary neoplastic syndrome. Identifiers: Orphanet 140162, MedGen C0027672, MeSH D009386, MONDO:0015356.

Submission:

Ambry Genetics
Classification: Uncertain significance for Hereditary cancer-predisposing syndrome. Last evaluated: 2026-08-29. Review status: criteria provided, single submitter. Criteria: Ambry Variant Classification Scheme 2023. Collection method: clinical testing. Allele origin: germline.
Comment: The p.Y47S variant (also known as c.140A>C), located in coding exon 1 of the DICER1 gene, results from an A to C substitution at nucleotide position 140. The tyrosine at codon 47 is replaced by serine, an amino acid with dissimilar properties. This amino acid position is conserved. In addition, this alteration is predicted to be deleterious by in silico analysis. Based on the available evidence, the clinical significance of this variant remains unclear.

NM_177438.3(DICER1):c.140A>C (p.Tyr47Ser)

Gene: DICER1 (dicer 1, ribonuclease III; minus strand). Cytogenetic location: 14q32.13.
Variant type: single nucleotide variant.
Coding change: c.140A>C on transcript NM_177438.3 (MANE Select); coding-DNA position 140, A replaced by C.
Protein change: p.Tyr47Ser; replaces tyrosine 47 with serine.
Molecular consequence: missense variant. On other transcripts: 5 prime UTR variant (8), non-coding transcript variant (6), intron variant (1).
Genome position (GRCh38, 1-based): chr14:95,133,319, T>G on the plus strand (A>C on the coding strand, the complement: DICER1 is on the minus strand). VCF-style: chr14-95133319-T-G. GRCh37 (hg19) VCF-style: chr14-95599656-T-G.
Other names: c.140A>C, p.Tyr47Ser (NM_001195573.1, NM_001271282.3, NM_001291628.2 and 14 more transcripts); c.-135A>C (NM_001395686.1, NM_001395688.1, NM_001395689.1 and 3 more transcripts); c.-319A>C (NM_001395691.1); c.-1429A>C (NM_001395697.1); c.-130-642A>C (NM_001395687.1); short protein forms Y47S.
Identifiers: ClinVar variation 5035329 (VCV005035329.1).